The following is an entry in ClinVar:

ClinVar aggregate classification (germline): Uncertain significance (1 of 4 stars; one submission).

gnomAD v4.1: 1 of 1,612,648 alleles (0.000062%); highest among the groups gnomAD compares: South Asian, 0.0011%; no homozygotes.

Submission:

Ambry Genetics
Classification: Uncertain significance. Last evaluated: 2026-01-11. Review status: criteria provided, single submitter. Criteria: Ambry Variant Classification Scheme 2023. Collection method: clinical testing. Allele origin: germline.
Comment: The p.A1123S variant (also known as c.3367G>T), located in coding exon 13 of the WNK2 gene, results from a G to T substitution at nucleotide position 3367. The alanine at codon 1123 is replaced by serine, an amino acid with similar properties. This amino acid position is conserved. In addition, this alteration is predicted to be tolerated by in silico analysis. Based on the available evidence, the clinical significance of this variant remains unclear.

NM_006648.4(WNK2):c.3367G>T (p.Ala1123Ser)

Gene: WNK2 (WNK lysine deficient protein kinase 2; plus strand). Cytogenetic location: 9q22.31.
Variant type: single nucleotide variant.
Coding change: c.3367G>T on transcript NM_006648.4 (MANE Select); coding-DNA position 3367, G replaced by T.
Protein change: p.Ala1123Ser; replaces alanine 1123 with serine.
Molecular consequence: missense variant.
Genome position (GRCh38, 1-based): chr9:93,262,676, G>T. VCF-style: chr9-93262676-G-T. GRCh37 (hg19) VCF-style: chr9-96024958-G-T.
Other names: c.3367G>T, p.Ala1123Ser (NM_001282394.3); short protein forms A1123S.
Identifiers: ClinVar variation 4842135 (VCV004842135.1).
Genomic context (GRCh38, chr9:93,262,676, plus strand): 5'-AGGGAGGCGGGAGTCCGCATGACCTGTTCTCTTTTCTCCGGGTGTTTATTTCAGGAGCAG[G>T]CCTCACAGGACAAGCCGCCCGGCCTCCCGCAGAGCTGTGAGAGGTAGTGTGGCCCAGCCT-3'
Protein context (NP_006639.3, residues 1113-1133): LTVEPVQEEQ[Ala1123Ser]SQDKPPGLPQ